The following is an entry in ClinVar:

NM_144596.4(TTC8):c.114+2T>C

Gene: TTC8 (tetratricopeptide repeat domain 8; plus strand). Cytogenetic location: 14q31.3.
Variant type: single nucleotide variant.
Coding change: c.114+2T>C on transcript NM_144596.4 (MANE Select); the canonical splice donor site of the intron after coding-DNA position 114, T replaced by C.
Molecular consequence: splice donor variant.
Genome position (GRCh38, 1-based): chr14:88,824,823, T>C. VCF-style: chr14-88824823-T-C. GRCh37 (hg19) VCF-style: chr14-89291167-T-C.
Other names: c.-449+2T>C (NM_001288782.1); c.114+2T>C (NM_001288781.1, NM_198309.3, NM_198310.3 and 2 more transcripts); c.-544+2T>C (NM_001288783.1).
Identifiers: ClinVar variation 1487906 (VCV001487906.9), dbSNP rs1273244823, ClinGen allele CA390568058.

ClinVar aggregate classification (germline): Pathogenic/Likely pathogenic. Review status: criteria provided, multiple submitters, no conflicts (2 of 4 stars). 3 submissions from 3 submitters: Pathogenic (1); Likely pathogenic (2). Last evaluated 2022-03-19.

Conditions:
Bardet-Biedl syndrome 8 (BBS8). Identifiers: Orphanet 110, MedGen C1859566, MONDO:0014436, OMIM 615985.
Bardet-Biedl syndrome (BBS). Identifiers: Orphanet 110, MedGen C0752166, MONDO:0015229.

Allele frequency attached by ClinVar (database versions not stated): TOPMed below 0.00001.

Submissions (3):

Labcorp Genetics (formerly Invitae), Labcorp
Classification: Likely pathogenic for Bardet-Biedl syndrome. Last evaluated: 2022-03-19. Review status: criteria provided, single submitter. Criteria: Invitae Variant Classification Sherloc (09022015). Collection method: clinical testing. Allele origin: germline.
Comment: This sequence change affects a donor splice site in intron 2 of the TTC8 gene. It is expected to disrupt RNA splicing. Variants that disrupt the donor or acceptor splice site typically lead to a loss of protein function (PMID: 16199547), and loss-of-function variants in TTC8 are known to be pathogenic (PMID: 16308660, 16877420, 19797195, 21052717, 30886724). This variant is not present in population databases (gnomAD no frequency). This variant has not been reported in the literature in individuals affected with TTC8-related conditions. Algorithms developed to predict the effect of sequence changes on RNA splicing suggest that this variant may disrupt the consensus splice site. In summary, the currently available evidence indicates that the variant is pathogenic, but additional data are needed to prove that conclusively. Therefore, this variant has been classified as Likely Pathogenic.

Diagnostics Division, CENTRE FOR DNA FINGERPRINTING AND DIAGNOSTICS
Classification: Pathogenic for Bardet-Biedl syndrome 8. Review status: criteria provided, single submitter. Criteria: ACMG Guidelines, 2015. Collection method: research. Allele origin: germline. Inheritance: Autosomal recessive inheritance. Affected: yes. Observed: 1 homozygote.

Neuberg Centre For Genomic Medicine, NCGM
Classification: Likely pathogenic for Bardet-Biedl syndrome 8. Review status: criteria provided, single submitter. Criteria: ACMG Guidelines, 2015. Collection method: clinical testing. Allele origin: germline. Inheritance: Autosomal recessive inheritance. Affected: yes.
Comment: The splice donor variant c.114+2T>C in TTC8 (NM_198309.3) has not been reported previously as a pathogenic variant nor as a benign variant, to our knowledge. The c.114+2T>C variant is novel (not in any individuals) in gnomAD Exomes and is novel (not in any individuals) in 1000 Genomes. This variant affects an invariant splice site and hence is predicted to cause protein truncation. For these reasons, this variant has been classified as Likely Pathogenic

Literature cited by the submitters: PubMed 16199547 (cited by Labcorp Genetics (formerly Invitae), Labcorp); PubMed 16308660 (cited by Labcorp Genetics (formerly Invitae), Labcorp); PubMed 16877420 (cited by Labcorp Genetics (formerly Invitae), Labcorp); PubMed 19797195 (cited by Labcorp Genetics (formerly Invitae), Labcorp); PubMed 21052717 (cited by Labcorp Genetics (formerly Invitae), Labcorp); PubMed 30886724 (cited by Labcorp Genetics (formerly Invitae), Labcorp).